The following is an entry in ClinVar:

NM_005223.4(DNASE1):c.802-23_802-1del

Gene: DNASE1 (deoxyribonuclease 1; plus strand). Cytogenetic location: 16p13.3.
Variant type: Deletion.
Coding change: c.802-23_802-1del on transcript NM_005223.4 (MANE Select); 23 bases into the intron before coding-DNA position 802 through the canonical splice acceptor site of the intron before coding-DNA position 802, 23 bases deleted (ACCCTGTGCCCACTTGCCTGCAG).
Molecular consequence: splice acceptor variant. On other transcripts: non-coding transcript variant (1), intron variant (1).
Genome position (GRCh38, 1-based): chr16:3,657,883-3,657,905, ACCCTGTGCCCACTTGCCTGCAG deleted; deleting any 23 consecutive bases within chr16:3,657,880-3,657,905 gives the same sequence; the c. name uses the placement nearest the transcript's 3' end. VCF-style (leftmost placement, unchanged base first): chr16-3657879-CCAGACCCTGTGCCCACTTGCCTG-C. GRCh37 (hg19) VCF-style: chr16-3707880-CCAGACCCTGTGCCCACTTGCCTG-C.
Other names: c.*21+16_*21+38del (NM_001387140.1); c.802-23_802-1del (NM_001387135.1, NM_001351825.2); c.871-23_871-1del (NM_001387139.1); c.595-23_595-1del (NM_001387141.1).
Identifiers: ClinVar variation 3778522 (VCV003778522.7).

ClinVar aggregate classification (germline): Uncertain significance (1 of 4 stars; one submission).

Submission:

CeGaT Center for Human Genetics Tuebingen
Classification: Uncertain significance. Last evaluated: 2025-03-01. Review status: criteria provided, single submitter. Criteria: CeGaT Center For Human Genetics Tuebingen Variant Classification Criteria Version 2. Collection method: clinical testing. Allele origin: germline. Affected: yes. Observed: 1 variant allele.
Comment: DNASE1: PM2, PP3